The following is an entry in ClinVar:

NM_003073.5(SMARCB1):c.500+894T>A

Gene: SMARCB1 (SWI/SNF related BAF chromatin remodeling complex subunit B1; plus strand). Cytogenetic location: 22q11.23.
Variant type: single nucleotide variant.
Coding change: c.500+894T>A on transcript NM_003073.5 (MANE Select); 894 bases into the intron after coding-DNA position 500, T replaced by A.
Molecular consequence: intron variant.
Genome position (GRCh38, 1-based): chr22:23,801,975, T>A. VCF-style: chr22-23801975-T-A. GRCh37 (hg19) VCF-style: chr22-24144162-T-A.
Other names: c.554+840T>A (NM_001362877.1, NM_001362877.2); c.527+840T>A (NM_001317946.2); c.473+894T>A (NM_001007468.3).
Identifiers: ClinVar variation 2652973 (VCV002652973.25), dbSNP rs570609640, ClinGen allele CA322603051.

ClinVar aggregate classification (germline): Likely benign. Review status: criteria provided, multiple submitters, no conflicts (2 of 4 stars). 2 submissions from 2 submitters: Likely benign (2). Last evaluated 2026-05-08.

Conditions:
SMARCB1-related disorder. Also called: SMARCB1-related condition; SMARCB1-related disorders.

Allele frequency attached by ClinVar (database versions not stated): 1000 Genomes Project 30x 0.00016; gnomAD exomes 0.00033; gnomAD 0.00060; TOPMed 0.00080.

Submissions (2):

PreventionGenetics, part of Exact Sciences
Classification: Likely benign for SMARCB1-related condition. Last evaluated: 2026-05-08. Review status: criteria provided, single submitter. Criteria: ACMG Guidelines, 2015. Collection method: clinical testing. Allele origin: germline.
Comment: This variant is classified as likely benign based on ACMG/AMP sequence variant interpretation guidelines (Richards et al. 2015 PMID: 25741868, with internal and published modifications).

CeGaT Center for Human Genetics Tuebingen
Classification: Likely benign. Last evaluated: 2023-01-01. Review status: criteria provided, single submitter. Criteria: CeGaT Center For Human Genetics Tuebingen Variant Classification Criteria Version 2. Collection method: clinical testing. Allele origin: germline. Affected: yes. Observed: 2 variant alleles.
Comment: SMARCB1: BS1